The following is an entry in ClinVar:

NM_000381.4(MID1):c.538G>A (p.Asp180Asn)

Gene: MID1 (midline 1; minus strand). Cytogenetic location: Xp22.2.
Variant type: single nucleotide variant.
Coding change: c.538G>A on transcript NM_000381.4 (MANE Select); coding-DNA position 538, G replaced by A.
Protein change: p.Asp180Asn; replaces aspartic acid 180 with asparagine.
Molecular consequence: missense variant.
Genome position (GRCh38, 1-based): chrX:10,567,010, C>T on the plus strand (G>A on the coding strand, the complement: MID1 is on the minus strand). VCF-style: chrX-10567010-C-T. GRCh37 (hg19) VCF-style: chrX-10535050-C-T.
Other names: c.538G>A, p.Asp180Asn (NM_001098624.2, NM_001193277.1, NM_001193278.1 and 5 more transcripts); c.538G>A (NM_000381.3); short protein forms D180N.
Identifiers: ClinVar variation 3389688 (VCV003389688.15).

ClinVar aggregate classification (germline): Uncertain significance. Review status: criteria provided, multiple submitters, no conflicts (2 of 4 stars). 2 submissions from 2 submitters: Uncertain significance (2). Last evaluated 2025-08-12.

Conditions:
Inborn genetic diseases. Identifiers: MedGen C0950123, MeSH D030342.

Submissions (2):

Ambry Genetics
Classification: Uncertain significance for Inborn genetic diseases. Last evaluated: 2025-08-12. Review status: criteria provided, single submitter. Criteria: Ambry Variant Classification Scheme 2023. Collection method: clinical testing. Allele origin: germline.

CeGaT Center for Human Genetics Tuebingen
Classification: Uncertain significance. Last evaluated: 2024-09-01. Review status: criteria provided, single submitter. Criteria: CeGaT Center For Human Genetics Tuebingen Variant Classification Criteria Version 2. Collection method: clinical testing. Allele origin: germline. Affected: yes. Observed: 1 variant allele.
Comment: MID1: PM2